The following is an entry in ClinVar:

NM_003108.4(SOX11):c.1142T>A (p.Leu381Gln)

Gene: SOX11 (SRY-box transcription factor 11; plus strand). Cytogenetic location: 2p25.2.
Variant type: single nucleotide variant.
Coding change: c.1142T>A on transcript NM_003108.4 (MANE Select); coding-DNA position 1142, T replaced by A.
Protein change: p.Leu381Gln; replaces leucine 381 with glutamine.
Molecular consequence: missense variant.
Genome position (GRCh38, 1-based): chr2:5,693,863, T>A. VCF-style: chr2-5693863-T-A. GRCh37 (hg19) VCF-style: chr2-5833995-T-A.
Other names: short protein forms L381Q.
Identifiers: ClinVar variation 5020379 (VCV005020379.1).

ClinVar aggregate classification (germline): Uncertain significance (1 of 4 stars; one submission).

Submission:

Dasa
Classification: Uncertain significance. Last evaluated: 2026-06-15. Review status: criteria provided, single submitter. Criteria: DASA Assertion Criteria. Collection method: clinical testing. Allele origin: germline.
Comment: NM_003108.4(SOX11):c.1142T>A (p.Leu381Gln) is a missense variant that results in the substitution of leucine with glutamine. This variant is rare in population databases. The currently available literature and clinical evidence are not sufficient to establish a definitive association between this variant and the reported condition. Therefore, this variant is classified as a variant of uncertain significance.